The following is an entry in ClinVar:

NM_014712.3(SETD1A):c.2405T>C (p.Met802Thr)

Gene: SETD1A (SET domain containing 1A, histone lysine methyltransferase; plus strand). Cytogenetic location: 16p11.2.
Variant type: single nucleotide variant.
Coding change: c.2405T>C on transcript NM_014712.3 (MANE Select); coding-DNA position 2405, T replaced by C.
Protein change: p.Met802Thr; replaces methionine 802 with threonine.
Molecular consequence: missense variant.
Genome position (GRCh38, 1-based): chr16:30,966,286, T>C. VCF-style: chr16-30966286-T-C. GRCh37 (hg19) VCF-style: chr16-30977607-T-C.
Other names: short protein forms M802T.
Identifiers: ClinVar variation 4976065 (VCV004976065.1).

ClinVar aggregate classification (germline): Uncertain significance (1 of 4 stars; one submission).

Submission:

GeneDx
Classification: Uncertain significance. Last evaluated: 2026-02-09. Review status: criteria provided, single submitter. Criteria: GeneDx Variant Classification Process June 2021. Collection method: clinical testing. Allele origin: germline.
Comment: Not observed at significant frequency in large population cohorts (gnomAD); In silico analysis supports that this missense variant has a deleterious effect on protein structure/function; Has not been previously published as pathogenic or benign to our knowledge.